The following is an entry in ClinVar:

ClinVar aggregate classification (germline): Uncertain significance (1 of 4 stars; one submission).

Conditions:
POLD1-related polyposis and colorectal cancer syndrome (CRCS10). Also called: Colorectal cancer 10; COLORECTAL CANCER, SUSCEPTIBILITY TO, ON CHROMOSOME 19q; Colorectal cancer, susceptibility to, 10. Identifiers: Orphanet 220460, MedGen C2675481, MONDO:0012953, OMIM 612591.

Submission:

Labcorp Genetics (formerly Invitae), Labcorp
Classification: Uncertain significance for POLD1-related polyposis and colorectal cancer syndrome. Last evaluated: 2017-11-04. Review status: criteria provided, single submitter. Criteria: Invitae Variant Classification Sherloc (09022015). Collection method: clinical testing. Allele origin: germline.
Comment: This complex sequence change replaces methionine with isoleucine at codon 1081 and arginine with valine at codon 1082 of the POLD1 protein (p.Met1081_Arg1082delinsIleVal). The methionine residue at codon 1081 is highly conserved and there is a small physicochemical difference between methionine and isoleucine. The arginine residue at codon 1082 is highly conserved and there is a moderate physicochemical difference between arginine and valine. In summary, this variant is a novel complex change with uncertain impact on protein function. The available evidence is currently insufficient to determine the role of this variant in disease. Therefore, it has been classified as a Variant of Uncertain Significance. Experimental studies and prediction algorithms are not available for this complex variant, and the functional significance of replacing both amino acids is unknown. In addition, algorithms developed to predict the effect of missense changes on protein structure and function do not agree on the potential impact of both missense changes (p.Met1081Ile: SIFT: "Deleterious", PolyPhen-2: "Benign", Align-GVGD: "Class C0"; and p.Arg1082Val: SIFT: "Deleterious", PolyPhen-2: "Probably Damaging", Align-GVGD: "Class C0"). This variant has not been reported in the literature in individuals with POLD1-related disease. This variant is not present in population databases (ExAC no frequency).

NM_002691.4(POLD1):c.3243_3245delinsTGT (p.Met1081_Arg1082delinsIleVal)

Gene: POLD1 (DNA polymerase delta 1, catalytic subunit; plus strand). Cytogenetic location: 19q13.33.
Variant type: Indel.
Coding change: c.3243_3245delinsTGT on transcript NM_002691.4 (MANE Select); coding-DNA positions 3243 to 3245, GCG replaced by TGT.
Protein change: p.Met1081_Arg1082delinsIleVal.
Molecular consequence: missense variant. On other transcripts: non-coding transcript variant (1).
Genome position (GRCh38, 1-based): chr19:50,417,866-50,417,868, GCG replaced by TGT. VCF-style: chr19-50417866-GCG-TGT. GRCh37 (hg19) VCF-style: chr19-50921123-GCG-TGT.
Other names: c.3243_3245delinsTGT, p.Met1081_Arg1082delinsIleVal (NM_001256849.1); c.3321_3323delinsTGT, p.Met1107_Arg1108delinsIleVal (NM_001308632.1).
Identifiers: ClinVar variation 537105 (VCV000537105.7), dbSNP rs1555793871, ClinGen allele CA658799283.
Genomic context (GRCh38, chr19:50,417,866, plus strand): 5'-GGCTGGTCCTGACCCTGCCCCTGCCCCCACCCGCAGCCGGGACTGCCCCATCTTCTACAT[GCG>TGT]CAAGAAGGTGCGGAAGGACCTGGAAGACCAGGAGCAGCTCCTGCGGCGCTTCGGACCCCC-3'